The following is an entry in ClinVar:

ClinVar aggregate classification (germline): Pathogenic (1 of 4 stars; one submission).

Submission:

CeGaT Center for Human Genetics Tuebingen
Classification: Pathogenic. Last evaluated: 2026-02-01. Review status: criteria provided, single submitter. Criteria: CeGaT Center For Human Genetics Tuebingen Variant Classification Criteria Version 2. Collection method: clinical testing. Allele origin: germline. Affected: yes. Observed: 1 variant allele.
Comment: COL2A1: PVS1, PM2

NM_001844.5(COL2A1):c.3669dup (p.Ala1224fs)

Gene: COL2A1 (collagen type II alpha 1 chain; minus strand). Cytogenetic location: 12q13.11.
Variant type: Duplication.
Coding change: c.3669dup on transcript NM_001844.5 (MANE Select); coding-DNA position 3669, one base duplicated (T; older notation c.3669dupT).
Protein change: p.Ala1224fs; shifts the reading frame from alanine 1224.
Molecular consequence: frameshift variant.
Genome position (GRCh38, 1-based): chr12:47,975,534, A duplicated on the plus strand (T on the coding strand, the reverse complement: COL2A1 is on the minus strand); the first of 3 consecutive A bases (chr12:47,975,534-47,975,536); duplicating any one gives the same sequence. VCF-style (leftmost placement, unchanged base first): chr12-47975533-C-CA. GRCh37 (hg19) VCF-style: chr12-48369316-C-CA.
Other names: c.3462dup, p.Ala1155fs (NM_033150.3); short protein forms A1155fs, A1224fs.
Identifiers: ClinVar variation 4823321 (VCV004823321.4).